The following is an entry in ClinVar:

NM_000195.5(HPS1):c.636C>T (p.Leu212=)

Gene: HPS1 (HPS1 biogenesis of lysosomal organelles complex 3 subunit 1; minus strand). Cytogenetic location: 10q24.2.
Variant type: single nucleotide variant.
Coding change: c.636C>T on transcript NM_000195.5 (MANE Select); coding-DNA position 636, C replaced by T.
Protein change: p.Leu212=; no amino-acid change (leucine 212 retained).
Molecular consequence: synonymous variant. On other transcripts: 5 prime UTR variant (3), intron variant (5).
Genome position (GRCh38, 1-based): chr10:98,431,163, G>A on the plus strand (C>T on the coding strand, the complement: HPS1 is on the minus strand). VCF-style: chr10-98431163-G-A. GRCh37 (hg19) VCF-style: chr10-100190920-G-A.
Other names: p.Leu212=; c.-238C>T (NM_001311345.2, NM_001322489.2); c.636C>T, p.Leu212= (NM_001322476.2, NM_001322477.2, NM_001322478.2 and 3 more transcripts); c.267C>T, p.Leu89= (NM_001322483.2, NM_001322484.2, NM_001322485.2); c.-337C>T (NM_001322487.2); c.408-493C>T (NM_001322480.2, NM_001322482.2, NM_001322481.2); c.551-493C>T (NM_001322492.2, NM_001322490.2).
Identifiers: ClinVar variation 167185 (VCV000167185.28), dbSNP rs1801287, ClinGen allele CA180123.

ClinVar aggregate classification (germline): Benign. Review status: criteria provided, multiple submitters, no conflicts (2 of 4 stars). 11 submissions from 11 submitters: Benign (10). 1 of the submissions does not count toward it. Last evaluated 2026-02-04.

Conditions:
Hermansky-Pudlak syndrome (HPS). Also called: ALBINISM WITH HEMORRHAGIC DIATHESIS AND PIGMENTED RETICULOENDOTHELIAL CELLS. Identifiers: Orphanet 79430, MedGen C0079504, MONDO:0019312.
Hermansky-Pudlak syndrome 1 (HPS1). Also called: DELTA STORAGE POOL DISEASE. Identifiers: Orphanet 231500, Orphanet 79430, MedGen C2931875, MONDO:0008748, OMIM 203300.

Allele frequency attached by ClinVar (database versions not stated): ESP Exome Variant Server 0.23889; TOPMed 0.25301; gnomAD 0.25851 and 0.26576; 1000 Genomes Project 30x 0.27920; 1000 Genomes Project 0.28295; gnomAD exomes 0.30302 and 0.31630; ExAC 0.31569.
gnomAD v4.1: 482,953 of 1,613,542 alleles (30%); highest among the groups gnomAD compares: South Asian, 43%; 75,050 homozygotes.

Submissions (11):

Labcorp Genetics (formerly Invitae), Labcorp
Classification: Benign. Last evaluated: 2026-02-04. Review status: criteria provided, single submitter. Criteria: Invitae Variant Classification Sherloc (09022015). Collection method: clinical testing. Allele origin: germline.

Blueprint Genetics
Classification: Benign. Last evaluated: 2024-11-27. Review status: criteria provided, single submitter. Criteria: ACMG Guidelines, 2015. Collection method: clinical testing. Allele origin: germline.

Mayo Clinic Laboratories, Mayo Clinic
Classification: Benign. Last evaluated: 2022-09-29. Review status: criteria provided, single submitter. Criteria: ACMG Guidelines, 2015. Collection method: clinical testing. Allele origin: germline. Observed: 279 variant alleles.

Genome-Nilou Lab
Classification: Benign for Hermansky-Pudlak syndrome 1. Last evaluated: 2021-07-10. Review status: criteria provided, single submitter. Criteria: ACMG Guidelines, 2015. Collection method: clinical testing. Allele origin: germline. Affected: no.

GeneDx
Classification: Benign. Last evaluated: 2019-02-28. Review status: criteria provided, single submitter. Criteria: GeneDx Variant Classification Process June 2021. Collection method: clinical testing. Allele origin: germline. Affected: yes.

Illumina Laboratory Services, Illumina
Classification: Benign for Hermansky-Pudlak syndrome 1. Last evaluated: 2018-01-13. Review status: criteria provided, single submitter. Criteria: ICSL Variant Classification Criteria 13 December 2019. Collection method: clinical testing. Allele origin: germline.
Comment: This variant was observed in the ICSL laboratory as part of a predisposition screen in an ostensibly healthy population. It had not been previously curated by ICSL or reported in the Human Gene Mutation Database (HGMD: prior to June 1st, 2018), and was therefore a candidate for classification through an automated scoring system. Utilizing variant allele frequency, disease prevalence and penetrance estimates, and inheritance mode, an automated score was calculated to assess if this variant is too frequent to cause the disease. Based on the score and internal cut-off values, a variant classified as benign is not then subjected to further curation. The score for this variant resulted in a classification of benign for this disease.

Eurofins Ntd Llc (ga)
Classification: Benign. Last evaluated: 2014-02-26. Review status: criteria provided, single submitter. Criteria: EGL Classification Definitions 2015. Collection method: clinical testing. Allele origin: germline. Observed: 1 variant allele, 1 heterozygote.

Laboratory for Molecular Medicine, Mass General Brigham Personalized Medicine
Classification: Benign. Last evaluated: 2013-02-21. Review status: criteria provided, single submitter. Criteria: LMM Criteria. Collection method: clinical testing. Allele origin: germline. Observed: 40 variant alleles.
Comment: Leu212Leu in exon 7 of HPS1: This variant is not expected to have clinical signi ficance because it does not alter an amino acid residue and is not located withi n the splice consensus sequence. It has been identified in 29.2% (2515/8600) of European American chromosomes from a broad population by the NHLBI Exome Sequenc ing Project (dbSNP rs1801287).

Breakthrough Genomics
Classification: Benign. Review status: criteria provided, single submitter. Criteria: ACMG Guidelines, 2015. Collection method: not provided. Allele origin: germline. Inheritance: Autosomal recessive inheritance. Affected: yes.

PreventionGenetics, part of Exact Sciences
Classification: Benign. Review status: criteria provided, single submitter. Criteria: ACMG Guidelines, 2015. Collection method: clinical testing. Allele origin: germline.

Natera, Inc.
Classification: Benign for Hermansky-Pudlak syndrome. Last evaluated: 2020-09-16. Review status: no assertion criteria provided. Collection method: clinical testing. Allele origin: germline. Not counted in ClinVar's aggregate classification.